The following is an entry in ClinVar:

NM_001170629.2(CHD8):c.5401C>T (p.Arg1801Cys)

Gene: CHD8 (chromodomain helicase DNA binding protein 8; minus strand). Cytogenetic location: 14q11.2.
Variant type: single nucleotide variant.
Coding change: c.5401C>T on transcript NM_001170629.2 (MANE Select); coding-DNA position 5401, C replaced by T.
Protein change: p.Arg1801Cys; replaces arginine 1801 with cysteine.
Molecular consequence: missense variant.
Genome position (GRCh38, 1-based): chr14:21,394,475, G>A on the plus strand (C>T on the coding strand, the complement: CHD8 is on the minus strand). VCF-style: chr14-21394475-G-A. GRCh37 (hg19) VCF-style: chr14-21862634-G-A.
Other names: c.4564C>T, p.Arg1522Cys (NM_020920.4); c.5401C>T (NM_001170629.1); short protein forms R1801C, R1522C.
Identifiers: ClinVar variation 4694739 (VCV004694739.1).

ClinVar aggregate classification (germline): Uncertain significance. Review status: criteria provided, multiple submitters, no conflicts (2 of 4 stars). 2 submissions from 2 submitters: Uncertain significance (2). Last evaluated 2025-08-06.

gnomAD v4.1: 14 of 1,596,302 alleles (0.00088%); highest among the groups gnomAD compares: East Asian, 0.0023%; no homozygotes.

Submissions (2):

GeneDx
Classification: Uncertain significance. Last evaluated: 2025-08-06. Review status: criteria provided, single submitter. Criteria: GeneDx Variant Classification Process June 2021. Collection method: clinical testing. Allele origin: germline. Affected: yes.
Comment: Has not been previously published as pathogenic or benign to our knowledge; Not observed at significant frequency in large population cohorts (gnomAD); In silico analysis supports that this missense variant has a deleterious effect on protein structure/function

Labcorp Genetics (formerly Invitae), Labcorp
Classification: Uncertain significance. Last evaluated: 2025-05-01. Review status: criteria provided, single submitter. Criteria: Invitae Variant Classification Sherloc (09022015). Collection method: clinical testing. Allele origin: germline.
Comment: This sequence change replaces arginine, which is basic and polar, with cysteine, which is neutral and slightly polar, at codon 1801 of the CHD8 protein (p.Arg1801Cys). The frequency data for this variant in the population databases is considered unreliable, as metrics indicate poor data quality at this position in the gnomAD database. This variant has not been reported in the literature in individuals affected with CHD8-related conditions. Invitae Evidence Modeling of protein sequence and biophysical properties (such as structural, functional, and spatial information, amino acid conservation, physicochemical variation, residue mobility, and thermodynamic stability) has been performed for this missense variant. However, the output from this modeling did not meet the statistical confidence thresholds required to predict the impact of this variant on CHD8 protein function. In summary, the available evidence is currently insufficient to determine the role of this variant in disease. Therefore, it has been classified as a Variant of Uncertain Significance.